The following is an entry in ClinVar:

NM_012301.4(MAGI2):c.2131C>A (p.Pro711Thr)

Gene: MAGI2 (membrane associated guanylate kinase, WW and PDZ domain containing 2; minus strand). Cytogenetic location: 7q21.11.
Variant type: single nucleotide variant.
Coding change: c.2131C>A on transcript NM_012301.4 (MANE Select); coding-DNA position 2131, C replaced by A.
Protein change: p.Pro711Thr; replaces proline 711 with threonine.
Molecular consequence: missense variant.
Genome position (GRCh38, 1-based): chr7:78,195,012, G>T on the plus strand (C>A on the coding strand, the complement: MAGI2 is on the minus strand). VCF-style: chr7-78195012-G-T. GRCh37 (hg19) VCF-style: chr7-77824329-G-T.
Other names: c.2131C>A, p.Pro711Thr (NM_001301128.2); short protein forms P711T.
Identifiers: ClinVar variation 129551 (VCV000129551.16), dbSNP rs144078604, ClinGen allele CA231266.
Genomic context (GRCh38, chr7:78,195,012, plus strand): 5'-AGTCAGGAAAGGAGCTCCTGTGAAGGGCAGGTGGGAAGGGCAGGTTCTGCGGTATGGCCG[G>T]AGCAGATAAACTCGTTTGAGGACTGCCTTGATTCTCCCATCGGTCCATTATCTGAAAAGT-3'
Protein context (NP_036433.2, residues 701-721): QGSPQTSLSA[Pro711Thr]AIPQNLPFPP

ClinVar aggregate classification (germline): Conflicting classifications of pathogenicity. Review status: criteria provided, conflicting classifications (1 of 4 stars). 6 submissions from 6 submitters: Uncertain significance (5); Likely benign (1). Last evaluated 2022-10-05.

Allele frequency attached by ClinVar (database versions not stated): 1000 Genomes Project 0.00020; 1000 Genomes Project 30x 0.00016; gnomAD 0.00029 and 0.00031; ESP Exome Variant Server 0.00054; TOPMed 0.00023.
gnomAD v4.1: 860 of 1,613,798 alleles (0.053%); highest among the groups gnomAD compares: Non-Finnish European, 0.069%; 1 homozygote.

Submissions (6):

Labcorp Genetics (formerly Invitae), Labcorp
Classification: Uncertain significance. Last evaluated: 2022-10-05. Review status: criteria provided, single submitter. Criteria: Invitae Variant Classification Sherloc (09022015). Collection method: clinical testing. Allele origin: germline.
Comment: This sequence change replaces proline, which is neutral and non-polar, with threonine, which is neutral and polar, at codon 711 of the MAGI2 protein (p.Pro711Thr). This variant is present in population databases (rs144078604, gnomAD 0.06%). This variant has not been reported in the literature in individuals affected with MAGI2-related conditions. ClinVar contains an entry for this variant (Variation ID: 129551). Algorithms developed to predict the effect of missense changes on protein structure and function (SIFT, PolyPhen-2, Align-GVGD) all suggest that this variant is likely to be disruptive. In summary, the available evidence is currently insufficient to determine the role of this variant in disease. Therefore, it has been classified as a Variant of Uncertain Significance.

GeneDx
Classification: Uncertain significance. Last evaluated: 2022-02-08. Review status: criteria provided, single submitter. Criteria: GeneDx Variant Classification Process June 2021. Collection method: clinical testing. Allele origin: germline. Affected: yes.
Comment: In silico analysis supports that this missense variant does not alter protein structure/function; Has not been previously published as pathogenic or benign to our knowledge; Variants in candidate genes are classified as variants of uncertain significance in accordance with ACMG guidelines (Richards et al., 2015)

Ambry Genetics
Classification: Uncertain significance. Last evaluated: 2021-07-06. Review status: criteria provided, single submitter. Criteria: Ambry Variant Classification Scheme 2023. Collection method: clinical testing. Allele origin: germline.

Eurofins Ntd Llc (ga)
Classification: Uncertain significance. Last evaluated: 2018-08-09. Review status: criteria provided, single submitter. Criteria: EGL ClinVar v180209 classification definitions. Collection method: clinical testing. Allele origin: germline. Observed: 3 variant alleles, 3 heterozygotes.

Fulgent Genetics
Classification: Uncertain significance. Last evaluated: 2017-05-23. Review status: criteria provided, single submitter. Criteria: ACMG Guidelines, 2015. Collection method: clinical testing. Allele origin: unknown.

Genetic Services Laboratory, University of Chicago
Classification: Likely benign. Last evaluated: 2016-09-01. Review status: criteria provided, single submitter. Criteria: ACMG Guidelines, 2015. Collection method: clinical testing. Allele origin: germline. Affected: no.